The following is an entry in ClinVar:

ClinVar aggregate classification (germline): Benign/Likely benign. Review status: criteria provided, multiple submitters, no conflicts (2 of 4 stars). 4 submissions from 4 submitters: Benign (1); Likely benign (3). Last evaluated 2025-10-11.

Conditions:
Hereditary cancer-predisposing syndrome. Also called: Neoplastic Syndromes, Hereditary; Tumor predisposition; Hereditary neoplastic syndrome; Hereditary Cancer Syndrome. Identifiers: Orphanet 140162, MedGen C0027672, MeSH D009386, MONDO:0015356.
Familial adenomatous polyposis 1 (FAP1). Also called: POLYPOSIS, ADENOMATOUS INTESTINAL; FAMILIAL ADENOMATOUS POLYPOSIS 1, ATTENUATED. Identifiers: MedGen C2713442, MONDO:0021056, OMIM 175100. Disease mechanism: loss of function.

Submissions (4):

Ambry Genetics
Classification: Likely benign for Hereditary cancer-predisposing syndrome. Last evaluated: 2025-10-11. Review status: criteria provided, single submitter. Criteria: Ambry Variant Classification Scheme 2023. Collection method: clinical testing. Allele origin: germline.

Labcorp Genetics (formerly Invitae), Labcorp
Classification: Likely benign for Familial adenomatous polyposis 1. Last evaluated: 2024-04-30. Review status: criteria provided, single submitter. Criteria: Invitae Variant Classification Sherloc (09022015). Collection method: clinical testing. Allele origin: germline.

Myriad Genetics, Inc.
Classification: Benign for Familial adenomatous polyposis 1. Last evaluated: 2024-04-04. Review status: criteria provided, single submitter. Criteria: Myriad Autosomal Dominant, Autosomal Recessive and X-Linked Classification Criteria (2023). Collection method: clinical testing. Allele origin: unknown.
Comment: This variant is considered benign. This variant is a silent/synonymous amino acid change and it is not expected to impact splicing.

Color Diagnostics, LLC DBA Color Health
Classification: Likely benign for Hereditary cancer-predisposing syndrome. Last evaluated: 2018-03-16. Review status: criteria provided, single submitter. Criteria: ACMG Guidelines, 2015. Collection method: clinical testing. Allele origin: germline.

NM_000038.6(APC):c.6345A>G (p.Leu2115=)

Gene: APC (APC regulator of Wnt signaling pathway; plus strand). Cytogenetic location: 5q22.2.
Variant type: single nucleotide variant.
Coding change: c.6345A>G on transcript NM_000038.6 (MANE Select); coding-DNA position 6345, A replaced by G.
Protein change: p.Leu2115=; no amino-acid change (leucine 2115 retained).
Molecular consequence: synonymous variant.
Genome position (GRCh38, 1-based): chr5:112,841,939, A>G. VCF-style: chr5-112841939-A-G. GRCh37 (hg19) VCF-style: chr5-112177636-A-G.
Other names: c.6345A>G, p.Leu2115= (NM_001127510.3, NM_001354895.2); c.6291A>G, p.Leu2097= (NM_001127511.3); c.6399A>G, p.Leu2133= (NM_001354896.2); c.6375A>G, p.Leu2125= (NM_001354897.2); c.6270A>G, p.Leu2090= (NM_001354898.2); c.6261A>G, p.Leu2087= (NM_001354899.2); c.6222A>G, p.Leu2074= (NM_001354900.2); c.6168A>G, p.Leu2056= (NM_001354901.2); and 5 more.
Identifiers: ClinVar variation 627942 (VCV000627942.12), dbSNP rs1561606585, ClinGen allele CA446210351.